The following is an entry in ClinVar:

ClinVar aggregate classification (germline): Uncertain significance (1 of 4 stars; one submission).

Conditions:
Neurodevelopmental disorder. Identifiers: MedGen C1535926, MeSH D065886, MONDO:0700092.

Submission:

Victorian Clinical Genetics Services, Murdoch Childrens Research Institute
Classification: Uncertain significance for Neurodevelopmental disorder. Last evaluated: 2023-07-17. Review status: criteria provided, single submitter. Criteria: ACMG Guidelines, 2015. Collection method: clinical testing. Allele origin: germline. Inheritance: Autosomal dominant inheritance. Affected: yes.
Comment: Based on the classification scheme VCGS_Germline_v1.3.4, this variant is classified as VUS-3A Following criteria are met: 0102 - Loss of function is a known mechanism of disease in this gene and is associated with neurodevelopmental disorder, MONDO:0700092, TAF4-related (PMID: 35904126). (I) 0107 - This gene is associated with autosomal dominant disease. (I) 0200 - Variant is predicted to result in a missense amino acid change from tyrosine to phenylalanine. (I) 0251 - This variant is heterozygous. (I) 0301 - Variant is absent from gnomAD (both v2 and v3). (SP) 0502 - Missense variant with conflicting in silico predictions and uninformative conservation. (I) 0600 - Variant is located in the annotated transcription initiation factor TFIID component TAF4 family domain (DECIPHER). (I) 0705 - No comparable missense variants have previous evidence for pathogenicity. (I) 0807 - This variant has no previous evidence of pathogenicity. (I) 0905 - No published segregation evidence has been identified for this variant. (I) 1007 - No published functional evidence has been identified for this variant. (SP) Legend: (SP) - Supporting pathogenic, (I) - Information, (SB) - Supporting benign

Literature cited by the submitters: PubMed 35904126.

NM_003185.4(TAF4):c.2801A>T (p.Tyr934Phe)

Gene: TAF4 (TATA-box binding protein associated factor 4; minus strand). Cytogenetic location: 20q13.33.
Variant type: single nucleotide variant.
Coding change: c.2801A>T on transcript NM_003185.4 (MANE Select); coding-DNA position 2801, A replaced by T.
Protein change: p.Tyr934Phe; replaces tyrosine 934 with phenylalanine.
Molecular consequence: missense variant.
Genome position (GRCh38, 1-based): chr20:61,999,095, T>A on the plus strand (A>T on the coding strand, the complement: TAF4 is on the minus strand). VCF-style: chr20-61999095-T-A. GRCh37 (hg19) VCF-style: chr20-60574151-T-A.
Other names: short protein forms Y934F.
Identifiers: ClinVar variation 3376923 (VCV003376923.1).